The following is an entry in ClinVar:

NM_001458.5(FLNC):c.5135G>A (p.Gly1712Asp)

Gene: FLNC (filamin C; plus strand). Cytogenetic location: 7q32.1.
Variant type: single nucleotide variant.
Coding change: c.5135G>A on transcript NM_001458.5 (MANE Select); coding-DNA position 5135, G replaced by A.
Protein change: p.Gly1712Asp; replaces glycine 1712 with aspartic acid.
Molecular consequence: missense variant.
Genome position (GRCh38, 1-based): chr7:128,849,514, G>A. VCF-style: chr7-128849514-G-A. GRCh37 (hg19) VCF-style: chr7-128489568-G-A.
Other names: c.5135G>A, p.Gly1712Asp (NM_001127487.2); short protein forms G1712D.
Identifiers: ClinVar variation 2942994 (VCV002942994.4), dbSNP rs2128937832, ClinGen allele CA369204255.

ClinVar aggregate classification (germline): Uncertain significance. Review status: criteria provided, multiple submitters, no conflicts (2 of 4 stars). 2 submissions from 2 submitters: Uncertain significance (2). Last evaluated 2026-03-19.

Conditions:
Distal myopathy with posterior leg and anterior hand involvement. Also called: WILLIAMS DISTAL MYOPATHY. Identifiers: Orphanet 63273, MedGen C3279722, MONDO:0013550, OMIM 614065.
Myofibrillar myopathy 5. Also called: Filaminopathy (type); FILAMINOPATHY, AUTOSOMAL DOMINANT. Identifiers: Orphanet 171445, MedGen C1836050, MONDO:0012289, OMIM 609524.
Hypertrophic cardiomyopathy 26. Also called: Cardiomyopathy, familial hypertrophic, 26. Identifiers: Orphanet 75249, MedGen C4310749, MONDO:0014883, OMIM 617047.

Submissions (2):

GeneDx
Classification: Uncertain significance. Last evaluated: 2026-03-19. Review status: criteria provided, single submitter. Criteria: GeneDx Variant Classification Process June 2021. Collection method: clinical testing. Allele origin: germline.
Comment: Not observed at significant frequency in large population cohorts (gnomAD); In silico analysis supports that this missense variant has a deleterious effect on protein structure/function; Has not been previously published as pathogenic or benign to our knowledge

Labcorp Genetics (formerly Invitae), Labcorp
Classification: Uncertain significance for Distal myopathy with posterior leg and anterior hand involvement; Myofibrillar myopathy 5; Hypertrophic cardiomyopathy 26. Last evaluated: 2023-01-07. Review status: criteria provided, single submitter. Criteria: Invitae Variant Classification Sherloc (09022015). Collection method: clinical testing. Allele origin: germline.
Comment: In summary, the available evidence is currently insufficient to determine the role of this variant in disease. Therefore, it has been classified as a Variant of Uncertain Significance. Advanced modeling of protein sequence and biophysical properties (such as structural, functional, and spatial information, amino acid conservation, physicochemical variation, residue mobility, and thermodynamic stability) has been performed at Invitae for this missense variant, however the output from this modeling did not meet the statistical confidence thresholds required to predict the impact of this variant on FLNC protein function. This variant has not been reported in the literature in individuals affected with FLNC-related conditions. This variant is not present in population databases (gnomAD no frequency). This sequence change replaces glycine, which is neutral and non-polar, with aspartic acid, which is acidic and polar, at codon 1712 of the FLNC protein (p.Gly1712Asp).